The following is an entry in ClinVar:

ClinVar aggregate classification (germline): Benign (1 of 4 stars; one submission).

Conditions:
Mitochondrial DNA depletion syndrome, myopathic form (MTDPS2). Also called: MITOCHONDRIAL DNA DEPLETION SYNDROME 2 (MYOPATHIC TYPE); MITOCHONDRIAL DNA DEPLETION MYOPATHY, TK2-RELATED; TK2-Related Mitochondrial DNA Maintenance Defect, Myopathic Form. Identifiers: Orphanet 254875, MedGen C3149750, MONDO:0012301, OMIM 609560.

Allele frequency attached by ClinVar (database versions not stated): gnomAD 0.00395; 1000 Genomes Project 0.00439; 1000 Genomes Project 30x 0.00500; TOPMed 0.00521.

Submission:

Illumina Laboratory Services, Illumina
Classification: Benign for Mitochondrial DNA depletion syndrome, myopathic form. Last evaluated: 2018-01-13. Review status: criteria provided, single submitter. Criteria: ICSL Variant Classification Criteria 13 December 2019. Collection method: clinical testing. Allele origin: germline.
Comment: This variant was observed in the ICSL laboratory as part of a predisposition screen in an ostensibly healthy population. It had not been previously curated by ICSL or reported in the Human Gene Mutation Database (HGMD: prior to June 1st, 2018), and was therefore a candidate for classification through an automated scoring system. Utilizing variant allele frequency, disease prevalence and penetrance estimates, and inheritance mode, an automated score was calculated to assess if this variant is too frequent to cause the disease. Based on the score and internal cut-off values, a variant classified as benign is not then subjected to further curation. The score for this variant resulted in a classification of benign for this disease.

NM_004614.5(TK2):c.*2450A>G

Gene: TK2 (thymidine kinase 2; minus strand). Cytogenetic location: 16q21.
Variant type: single nucleotide variant.
Coding change: c.*2450A>G on transcript NM_004614.5 (MANE Select); 2450 bases downstream of the stop codon, A replaced by G.
Molecular consequence: 3 prime UTR variant. On other transcripts: non-coding transcript variant (1).
Genome position (GRCh38, 1-based): chr16:66,509,518, T>C on the plus strand (A>G on the coding strand, the complement: TK2 is on the minus strand). VCF-style: chr16-66509518-T-C. GRCh37 (hg19) VCF-style: chr16-66543421-T-C.
Other names: c.*2450A>G (NM_001172643.1, NM_001172644.2, NM_001172645.2 and 2 more transcripts); c.*2545A>G (NM_001271935.1).
Identifiers: ClinVar variation 320124 (VCV000320124.5), dbSNP rs35138698, ClinGen allele CA10648724.
Genomic context (GRCh38, chr16:66,509,518, plus strand): 5'-TAATCATATATTTTACATGTACTGTCAAAAAGCTTAAATAAAAGCTGAAATAAATGCTAA[T>C]TGAAAGAAAATGTATATGTGCAACAAAAAAGTCAGCGAGAGGTAGAGCAGCTGAGCAGCT-3'